The following is an entry in ClinVar:

ClinVar aggregate classification (germline): Likely pathogenic (3 of 4 stars; one submission).

Conditions:
Phenylketonuria (PKU). Also called: Phenylketonurias; OLIGOPHRENIA PHENYLPYRUVICA; FOLLING DISEASE; Phenylketonuria (PKU). Identifiers: Orphanet 716, MedGen C0031485, MONDO:0009861, OMIM 261600. Disease mechanism: loss of function.

Submission:

ClinGen PAH Variant Curation Expert Panel
Classification: Likely pathogenic for Phenylketonuria. Last evaluated: 2022-07-30. Review status: reviewed by expert panel. Criteria: ClinGen PAH ACMG Specifications v1. Collection method: curation. Allele origin: germline. Inheritance: Autosomal recessive inheritance.
Comment: This variant is absent from population databases (PM2), and is located at same location a c.311C>A (p.Ala104Asp), reported as Pathogenic in ClinVar (VarID:102650). In summary, this variant meets criteria to be classified as likely pathogenic for PAH. PAH-specific ACMG/AMP criteria applied: PP4_Moderate, PM2, PM5.

NM_000277.3(PAH):c.311C>T (p.Ala104Val)

Gene: PAH (phenylalanine hydroxylase; minus strand). Cytogenetic location: 12q23.2.
Variant type: single nucleotide variant.
Coding change: c.311C>T on transcript NM_000277.3 (MANE Select); coding-DNA position 311, C replaced by T.
Protein change: p.Ala104Val; replaces alanine 104 with valine.
Molecular consequence: missense variant.
Genome position (GRCh38, 1-based): chr12:102,894,776, G>A on the plus strand (C>T on the coding strand, the complement: PAH is on the minus strand). VCF-style: chr12-102894776-G-A. GRCh37 (hg19) VCF-style: chr12-103288554-G-A.
Other names: NM_001354304.2:c.311C>T; c.311C>T, p.Ala104Val (NM_001354304.2); short protein forms A104V.
Identifiers: ClinVar variation 1810384 (VCV001810384.1), dbSNP rs62642929, ClinGen allele CA386304006.